The following is an entry in ClinVar:

NM_001142800.2(EYS):c.8773_8852del (p.Ser2925fs)

Genes: EYS (EGF-like photoreceptor maintenance factor; minus strand), PHF3 (PHD finger protein 3; plus strand). Cytogenetic location: 6q12.
Variant type: Deletion.
Coding change: c.8773_8852del on transcript NM_001142800.2 (MANE Select); coding-DNA positions 8773 to 8852, 80 bases deleted.
Protein change: p.Ser2925fs; shifts the reading frame from serine 2925.
Molecular consequence: frameshift variant. On other transcripts: 3 prime UTR variant (5).
Genome position (GRCh38, 1-based): chr6:63,721,179-63,721,258, 80 bases deleted. GRCh37 (hg19): chr6:64,431,078-64,431,157.
Other names: c.*7474_*7553del (NM_001290259.2, NM_001370348.2, NM_001370349.2 and 2 more transcripts); c.8836_8915del, p.Ser2946fs (NM_001292009.2); short protein forms S2925fs, S2946fs.
Identifiers: ClinVar variation 1074494 (VCV001074494.10), dbSNP rs2149624513, ClinGen allele CA2499218432.

ClinVar aggregate classification (germline): Pathogenic (1 of 4 stars; one submission).

Submission:

Labcorp Genetics (formerly Invitae), Labcorp
Classification: Pathogenic. Last evaluated: 2022-09-13. Review status: criteria provided, single submitter. Criteria: Invitae Variant Classification Sherloc (09022015). Collection method: clinical testing. Allele origin: germline.
Comment: ClinVar contains an entry for this variant (Variation ID: 1074494). This variant has not been reported in the literature in individuals affected with EYS-related conditions. This variant is not present in population databases (gnomAD no frequency). This sequence change creates a premature translational stop signal (p.Ser2925Asnfs*11) in the EYS gene. While this is not anticipated to result in nonsense mediated decay, it is expected to disrupt the last 220 amino acid(s) of the EYS protein. This variant disrupts a region of the EYS protein in which other variant(s) (p.Val3096Leufs*28) have been determined to be pathogenic (PMID: 24474277, 26261414, 29550188). This suggests that this is a clinically significant region of the protein, and that variants that disrupt it are likely to be disease-causing. For these reasons, this variant has been classified as Pathogenic.

Literature cited by the submitters: PubMed 24474277; PubMed 26261414; PubMed 29550188.